The following is an entry in ClinVar:

ClinVar aggregate classification (germline): Likely benign (1 of 4 stars; one submission).

Conditions:
Papillary renal cell carcinoma type 1 (RCCP1). Also called: Renal adenocarcinoma; Renal cell carcinoma 1; Renal cell carcinoma, somatic; RENAL CELL CARCINOMA, PAPILLARY, 1, SOMATIC. Identifiers: Orphanet 47044, MedGen C1336839, OMIM 605074, HP:0011797.

Submission:

Myriad Genetics, Inc.
Classification: Likely benign for Papillary renal cell carcinoma type 1. Last evaluated: 2024-11-14. Review status: criteria provided, single submitter. Criteria: Myriad Autosomal Dominant, Autosomal Recessive and X-Linked Classification Criteria (2023). Collection method: clinical testing. Allele origin: unknown.
Comment: This variant is considered likely benign. This variant is intronic and is not expected to impact mRNA splicing.

NM_000245.4(MET):c.3799-20C>T

Gene: MET (MET proto-oncogene, receptor tyrosine kinase; plus strand). Cytogenetic location: 7q31.2.
Variant type: single nucleotide variant.
Coding change: c.3799-20C>T on transcript NM_000245.4 (MANE Select); 20 bases into the intron before coding-DNA position 3799, C replaced by T.
Molecular consequence: intron variant.
Genome position (GRCh38, 1-based): chr7:116,795,635, C>T. VCF-style: chr7-116795635-C-T. GRCh37 (hg19) VCF-style: chr7-116435689-C-T.
Other names: c.3853-20C>T (NM_001127500.3); c.2509-20C>T (NM_001324402.2).
Identifiers: ClinVar variation 3773207 (VCV003773207.1).